The following is an entry in ClinVar:

NM_004698.4(PRPF3):c.953C>T (p.Ala318Val)

Gene: PRPF3 (pre-mRNA processing factor 3; plus strand). Cytogenetic location: 1q21.2.
Variant type: single nucleotide variant.
Coding change: c.953C>T on transcript NM_004698.4 (MANE Select); coding-DNA position 953, C replaced by T.
Protein change: p.Ala318Val; replaces alanine 318 with valine.
Molecular consequence: missense variant. On other transcripts: non-coding transcript variant (4).
Genome position (GRCh38, 1-based): chr1:150,335,159, C>T. VCF-style: chr1-150335159-C-T. GRCh37 (hg19) VCF-style: chr1-150307630-C-T.
Other names: c.548C>T, p.Ala183Val (NM_001350529.1); short protein forms A183V, A318V.
Identifiers: ClinVar variation 1312792 (VCV001312792.2), dbSNP rs781915422, ClinGen allele CA1075515.

ClinVar aggregate classification (germline): Uncertain significance (1 of 4 stars; one submission).

Allele frequency attached by ClinVar (database versions not stated): gnomAD exomes below 0.00001; ExAC 0.00001.
gnomAD v4.1: 1 of 1,614,044 alleles (0.000062%); highest among the groups gnomAD compares: Non-Finnish European, 0.000085%; no homozygotes.

Submission:

GeneDx
Classification: Uncertain significance. Last evaluated: 2020-07-07. Review status: criteria provided, single submitter. Criteria: GeneDx Variant Classification Process June 2021. Collection method: clinical testing. Allele origin: germline. Affected: yes.
Comment: In silico analysis supports that this missense variant does not alter protein structure/function; Has not been previously published as pathogenic or benign to our knowledge